The following is an entry in ClinVar:

ClinVar aggregate classification (germline): Pathogenic (1 of 4 stars; one submission).

Conditions:
Severe combined immunodeficiency due to LAT deficiency. Also called: Immunodeficiency 52. Identifiers: Orphanet 504523, MedGen C4479588, MONDO:0044721, OMIM 617514.

Submission:

Baylor Genetics
Classification: Pathogenic for Severe combined immunodeficiency due to LAT deficiency. Last evaluated: 2018-03-08. Review status: criteria provided, single submitter. Criteria: ACMG Guidelines, 2015. Collection method: clinical testing. Allele origin: maternal. Affected: yes.
Comment: This variant was determined to be pathogenic according to ACMG Guidelines, 2015 [PMID:25741868].

NM_001014989.2(LAT):c.52dup (p.Ala18fs)

Genes: LAT (linker for activation of T cells; plus strand), LOC130058751 (ATAC-STARR-seq lymphoblastoid silent region 7323; plus strand). Cytogenetic location: 16p11.2.
Variant type: Duplication.
Coding change: c.52dup on transcript NM_001014989.2; coding-DNA position 52, one base duplicated (G; older notation c.52dupG).
Protein change: p.Ala18fs; shifts the reading frame from alanine 18.
Molecular consequence: frameshift variant.
Genome position (GRCh38, 1-based): chr16:28,984,913, G duplicated; the last of 8 consecutive G bases (chr16:28,984,906-28,984,913); duplicating any one gives the same sequence. VCF-style (leftmost placement, unchanged base first): chr16-28984905-T-TG. GRCh37 (hg19) VCF-style: chr16-28996226-T-TG.
Other names: short protein forms A18fs.
Identifiers: ClinVar variation 1031728 (VCV001031728.3), dbSNP rs749637413, ClinGen allele CA7989755.